The following is an entry in ClinVar:

NM_152416.4(NDUFAF6):c.642C>T (p.Val214=)

Gene: NDUFAF6 (NADH:ubiquinone oxidoreductase complex assembly factor 6; plus strand). Cytogenetic location: 8q22.1.
Variant type: single nucleotide variant.
Coding change: c.642C>T on transcript NM_152416.4 (MANE Select); coding-DNA position 642, C replaced by T.
Protein change: p.Val214=; no amino-acid change (valine 214 retained).
Molecular consequence: synonymous variant. On other transcripts: non-coding transcript variant (5).
Genome position (GRCh38, 1-based): chr8:95,047,055, C>T. VCF-style: chr8-95047055-C-T. GRCh37 (hg19) VCF-style: chr8-96059283-C-T.
Other names: p.V214V:GTC>GTT; c.366C>T, p.Val122= (NM_001330582.2, NM_001354514.2, NM_001354515.2 and 1 more transcripts); c.486C>T, p.Val162= (NM_001354516.2); c.309C>T, p.Val103= (NM_001354517.2, NM_001354518.2, NM_001354519.2 and 1 more transcripts); c.186C>T, p.Val62= (NM_001354522.2, NM_001354524.2, NM_001354525.2 and 7 more transcripts).
Identifiers: ClinVar variation 136603 (VCV000136603.14), dbSNP rs61910718, ClinGen allele CA289774.
Genomic context (GRCh38, chr8:95,047,055, plus strand): 5'-TATAAAGGATCTTCATGCAGATCATGCTGCAAGTCATATTGGAAAAGCACAAGGCATTGT[C>T]ACTTGCTTGAGAGCAACACCATATCATGGGAGCAGAAGAAAGGTGTTCCTTCCCATGGAT-3'
Protein context (NP_689629.2, residues 204-224): ASHIGKAQGI[Val214=]TCLRATPYHG

ClinVar aggregate classification (germline): Benign. Review status: criteria provided, multiple submitters, no conflicts (2 of 4 stars). 4 submissions from 4 submitters: Benign (3). 1 of the submissions does not count toward it. Last evaluated 2025-12-29.

Conditions:
NDUFAF6-related disorder. Also called: NDUFAF6-related condition.

Allele frequency attached by ClinVar (database versions not stated): gnomAD exomes 0.00064 and 0.00162; ExAC 0.00201; 1000 Genomes Project 0.00559; 1000 Genomes Project 30x 0.00578; ESP Exome Variant Server 0.00634; gnomAD 0.00583 and 0.00621; TOPMed 0.00618.
gnomAD v4.1: 1,841 of 1,614,134 alleles (0.11%); highest among the groups gnomAD compares: African/African-American, 2.1%; 14 homozygotes.

Submissions (4):

Labcorp Genetics (formerly Invitae), Labcorp
Classification: Benign. Last evaluated: 2025-12-29. Review status: criteria provided, single submitter. Criteria: Invitae Variant Classification Sherloc (09022015). Collection method: clinical testing. Allele origin: germline.

GeneDx
Classification: Benign. Last evaluated: 2013-06-10. Review status: criteria provided, single submitter. Criteria: GeneDx Variant Classification (06012015). Collection method: clinical testing. Allele origin: germline. Affected: yes.
Comment: This variant is considered likely benign or benign based on one or more of the following criteria: it is a conservative change, it occurs at a poorly conserved position in the protein, it is predicted to be benign by multiple in silico algorithms, and/or has population frequency not consistent with disease.

Breakthrough Genomics
Classification: Benign. Review status: criteria provided, single submitter. Criteria: ACMG Guidelines, 2015. Collection method: not provided. Allele origin: germline. Inheritance: Autosomal recessive inheritance. Affected: yes.

PreventionGenetics, part of Exact Sciences
Classification: Benign for NDUFAF6-related condition. Last evaluated: 2020-01-13. Review status: no assertion criteria provided. Collection method: clinical testing. Allele origin: germline. Not counted in ClinVar's aggregate classification.
Comment: This variant is classified as benign based on ACMG/AMP sequence variant interpretation guidelines (Richards et al. 2015 PMID: 25741868, with internal and published modifications).